The following is an entry in ClinVar:

NM_017721.5(CC2D1A):c.980C>T (p.Ser327Leu)

Gene: CC2D1A (coiled-coil and C2 domain containing 1A; plus strand). Cytogenetic location: 19p13.12.
Variant type: single nucleotide variant.
Coding change: c.980C>T on transcript NM_017721.5 (MANE Select); coding-DNA position 980, C replaced by T.
Protein change: p.Ser327Leu; replaces serine 327 with leucine.
Molecular consequence: missense variant.
Genome position (GRCh38, 1-based): chr19:13,918,779, C>T. VCF-style: chr19-13918779-C-T. GRCh37 (hg19) VCF-style: chr19-14029592-C-T.
Other names: short protein forms S327L.
Identifiers: ClinVar variation 128624 (VCV000128624.30), dbSNP rs200121704, ClinGen allele CA152204.

ClinVar aggregate classification (germline): Benign/Likely benign. Review status: criteria provided, multiple submitters, no conflicts (2 of 4 stars). 8 submissions from 8 submitters: Benign (5); Likely benign (2). 1 of the submissions does not count toward it. Last evaluated 2026-08-01.

Conditions:
Inborn genetic diseases. Identifiers: MedGen C0950123, MeSH D030342.
CC2D1A-related disorder. Also called: CC2D1A-related condition.
Intellectual developmental disorder, autosomal recessive 3. Also called: Intellectual disability, autosomal recessive 3. Identifiers: Orphanet 88616, MedGen C1838023, MONDO:0012037, OMIM 608443.

Allele frequency attached by ClinVar (database versions not stated): 1000 Genomes Project 0.00539; ESP Exome Variant Server 0.00551; 1000 Genomes Project 30x 0.00625; gnomAD 0.00665 and 0.00681; TOPMed 0.00670; gnomAD exomes 0.00881 and 0.00920; ExAC 0.00943.
gnomAD v4.1: 13,946 of 1,613,338 alleles (0.86%); highest among the groups gnomAD compares: Middle Eastern, 1.8%; 105 homozygotes.

Submissions (8):

CeGaT Center for Human Genetics Tuebingen
Classification: Benign. Last evaluated: 2026-08-01. Review status: criteria provided, single submitter. Criteria: CeGaT Center For Human Genetics Tuebingen Variant Classification Criteria Version 2. Collection method: clinical testing. Allele origin: germline. Affected: yes. Observed: 18 variant alleles.
Comment: CC2D1A: BP4, BS1, BS2

Labcorp Genetics (formerly Invitae), Labcorp
Classification: Benign. Last evaluated: 2026-02-04. Review status: criteria provided, single submitter. Criteria: Invitae Variant Classification Sherloc (09022015). Collection method: clinical testing. Allele origin: germline.

Fulgent Genetics
Classification: Benign for Intellectual developmental disorder, autosomal recessive 3. Last evaluated: 2021-07-08. Review status: criteria provided, single submitter. Criteria: ACMG Guidelines, 2015. Collection method: clinical testing. Allele origin: unknown.

Center for Pediatric Genomic Medicine, Children's Mercy Hospital and Clinics
Classification: Likely benign. Last evaluated: 2016-11-15. Review status: criteria provided, single submitter. Criteria: ACMG Guidelines, 2015. Collection method: clinical testing. Allele origin: germline.
ClinVar note: Converted during submission from Likely Benign to Likely benign.

Ambry Genetics
Classification: Benign for Inborn genetic diseases. Last evaluated: 2016-05-24. Review status: criteria provided, single submitter. Criteria: Ambry Variant Classification Scheme 2023. Collection method: clinical testing. Allele origin: germline.

Genetic Services Laboratory, University of Chicago
Classification: Benign. Last evaluated: 2015-11-17. Review status: criteria provided, single submitter. Criteria: ACMG Guidelines, 2015. Collection method: clinical testing. Allele origin: germline. Affected: no.

Breakthrough Genomics
Classification: Likely benign. Review status: criteria provided, single submitter. Criteria: ACMG Guidelines, 2015. Collection method: not provided. Allele origin: germline. Inheritance: Autosomal recessive inheritance. Affected: yes.

PreventionGenetics, part of Exact Sciences
Classification: Benign for CC2D1A-related condition. Last evaluated: 2019-05-21. Review status: no assertion criteria provided. Collection method: clinical testing. Allele origin: germline. Not counted in ClinVar's aggregate classification.
Comment: This variant is classified as benign based on ACMG/AMP sequence variant interpretation guidelines (Richards et al. 2015 PMID: 25741868, with internal and published modifications).